The following is an entry in ClinVar:

ClinVar aggregate classification (germline): Uncertain significance (1 of 4 stars; one submission).

gnomAD v4.1: 18 of 1,595,966 alleles (0.0011%); highest among the groups gnomAD compares: Non-Finnish European, 0.0015%; no homozygotes.

Submission:

Labcorp Genetics (formerly Invitae), Labcorp
Classification: Uncertain significance. Last evaluated: 2022-11-06. Review status: criteria provided, single submitter. Criteria: Invitae Variant Classification Sherloc (09022015). Collection method: clinical testing. Allele origin: germline.
Comment: This sequence change replaces leucine, which is neutral and non-polar, with proline, which is neutral and non-polar, at codon 642 of the MKL1 protein (p.Leu642Pro). This variant has not been reported in the literature in individuals affected with MKL1-related conditions. Algorithms developed to predict the effect of missense changes on protein structure and function are either unavailable or do not agree on the potential impact of this missense change (SIFT: "Tolerated"; PolyPhen-2: "Possibly Damaging"; Align-GVGD: "Class C0"). In summary, the available evidence is currently insufficient to determine the role of this variant in disease. Therefore, it has been classified as a Variant of Uncertain Significance. This variant is present in population databases (rs557616700, gnomAD 0.001%).

NM_020831.6(MRTFA):c.2225T>C (p.Leu742Pro)

Gene: MRTFA (myocardin related transcription factor A; minus strand). Cytogenetic location: 22q13.1.
Variant type: single nucleotide variant.
Coding change: c.2225T>C on transcript NM_020831.6 (MANE Select); coding-DNA position 2225, T replaced by C.
Protein change: p.Leu742Pro; replaces leucine 742 with proline.
Molecular consequence: missense variant.
Genome position (GRCh38, 1-based): chr22:40,418,513, A>G on the plus strand (T>C on the coding strand, the complement: MRTFA is on the minus strand). VCF-style: chr22-40418513-A-G. GRCh37 (hg19) VCF-style: chr22-40814517-A-G.
Other names: c.1925T>C, p.Leu642Pro (NM_001282660.2); c.2075T>C, p.Leu692Pro (NM_001282661.3); c.2225T>C, p.Leu742Pro (NM_001282662.3); c.2030T>C, p.Leu677Pro (NM_001318139.2); short protein forms L692P, L642P, L742P, L677P.
Identifiers: ClinVar variation 2902457 (VCV002902457.3), dbSNP rs557616700, ClinGen allele CA10249414.